The following is an entry in ClinVar:

NM_012079.6(DGAT1):c.289-5C>T

Gene: DGAT1 (diacylglycerol O-acyltransferase 1; minus strand). Cytogenetic location: 8q24.3.
Variant type: single nucleotide variant.
Coding change: c.289-5C>T on transcript NM_012079.6 (MANE Select); 5 bases into the intron before coding-DNA position 289, C replaced by T.
Molecular consequence: intron variant.
Genome position (GRCh38, 1-based): chr8:144,319,073, G>A on the plus strand (C>T on the coding strand, the complement: DGAT1 is on the minus strand). VCF-style: chr8-144319073-G-A. GRCh37 (hg19) VCF-style: chr8-145542736-G-A.
Other names: c.289-5C>T (NM_012079.5).
Identifiers: ClinVar variation 1669716 (VCV001669716.10), dbSNP rs369558777, ClinGen allele CA4937100.
Genomic context (GRCh38, chr8:144,319,073, plus strand): 5'-GGCAAAGGCACTCACTTGATGAGGTTCTCCAGAAATAACCGGGCATTGCTCAAGATCTGC[G>A]AGGGATGGACAGGAGGGTGCAGCCCCTTTAGTCCTGGCCACAGGGTACTCACCCCAGATC-3'

ClinVar aggregate classification (germline): Likely benign. Review status: criteria provided, single submitter (1 of 4 stars). 2 submissions from 2 submitters: Likely benign (1). 1 of the submissions does not count toward it. Last evaluated 2025-12-26.

Conditions:
DGAT1-related disorder. Also called: DGAT1-related condition.

Allele frequency attached by ClinVar (database versions not stated): gnomAD exomes 0.00002 and 0.00003; ExAC 0.00005; ESP Exome Variant Server 0.00008.
gnomAD v4.1: 41 of 1,553,464 alleles (0.0026%); highest among the groups gnomAD compares: African/African-American, 0.021%; no homozygotes.

Submissions (2):

Labcorp Genetics (formerly Invitae), Labcorp
Classification: Likely benign. Last evaluated: 2025-12-26. Review status: criteria provided, single submitter. Criteria: Invitae Variant Classification Sherloc (09022015). Collection method: clinical testing. Allele origin: germline.

PreventionGenetics, part of Exact Sciences
Classification: Likely benign for DGAT1-related condition. Last evaluated: 2023-06-02. Review status: no assertion criteria provided. Collection method: clinical testing. Allele origin: germline. Not counted in ClinVar's aggregate classification.
Comment: This variant is classified as likely benign based on ACMG/AMP sequence variant interpretation guidelines (Richards et al. 2015 PMID: 25741868, with internal and published modifications).